The following is an entry in ClinVar:

NM_001145809.2(MYH14):c.4624C>T (p.Arg1542Trp)

Gene: MYH14 (myosin heavy chain 14; plus strand). Cytogenetic location: 19q13.33.
Variant type: single nucleotide variant.
Coding change: c.4624C>T on transcript NM_001145809.2 (MANE Select); coding-DNA position 4624, C replaced by T.
Protein change: p.Arg1542Trp; replaces arginine 1542 with tryptophan.
Molecular consequence: missense variant.
Genome position (GRCh38, 1-based): chr19:50,286,566, C>T. VCF-style: chr19-50286566-C-T. GRCh37 (hg19) VCF-style: chr19-50789823-C-T.
Other names: c.4525C>T, p.Arg1509Trp (NM_001077186.2); c.4501C>T, p.Arg1501Trp (NM_024729.4); c.4624C>T (NM_001145809.1); short protein forms R1509W, R1542W, R1501W.
Identifiers: ClinVar variation 893710 (VCV000893710.6), dbSNP rs553628577, ClinGen allele CA309579815.
Genomic context (GRCh38, chr19:50,286,566, plus strand): 5'-GTACTTCGGGCAGTGGAGGAACGTGAGCGGGCCGAGGCAGAGGGCCGGGAGCGTGAGGCT[C>T]GGGCCCTGTCACTGACACGGGCACTGGAGGAGGAGCAGGAGGCACGTGAGGAGCTGGAGC-3'
Protein context (NP_001139281.1, residues 1532-1552): AEAEGREREA[Arg1542Trp]ALSLTRALEE

ClinVar aggregate classification (germline): Uncertain significance. Review status: criteria provided, multiple submitters, no conflicts (2 of 4 stars). 3 submissions from 3 submitters: Uncertain significance (3). Last evaluated 2025-06-24.

Conditions:
Inborn genetic diseases. Identifiers: MedGen C0950123, MeSH D030342.
MYH14-related disorder. Also called: MYH14-related condition.
Autosomal dominant nonsyndromic hearing loss 4A. Also called: Deafness, autosomal dominant 4A. Identifiers: Orphanet 90635, MedGen C1833503, MONDO:0010915, OMIM 600652.

Allele frequency attached by ClinVar (database versions not stated): gnomAD exomes below 0.00001 and 0.00001; TOPMed 0.00001.
gnomAD v4.1: 9 of 1,610,800 alleles (0.00056%); highest among the groups gnomAD compares: East Asian, 0.0022%; no homozygotes.

Submissions (3):

PreventionGenetics, part of Exact Sciences
Classification: Uncertain significance for MYH14-related condition. Last evaluated: 2025-06-24. Review status: criteria provided, single submitter. Criteria: ACMG Guidelines, 2015. Collection method: clinical testing. Allele origin: germline.
Comment: The MYH14 c.4624C>T variant is predicted to result in the amino acid substitution p.Arg1542Trp. To our knowledge, this variant has not been reported in the literature. This variant is reported in 0.0057% of alleles in individuals of East Asian descent in gnomAD. At this time, the clinical significance of this variant is uncertain due to the absence of conclusive functional and genetic evidence.

Ambry Genetics
Classification: Uncertain significance for Inborn genetic diseases. Last evaluated: 2025-02-18. Review status: criteria provided, single submitter. Criteria: Ambry Variant Classification Scheme 2023. Collection method: clinical testing. Allele origin: germline.

Illumina Laboratory Services, Illumina
Classification: Uncertain significance for Autosomal dominant nonsyndromic hearing loss 4A. Last evaluated: 2018-01-13. Review status: criteria provided, single submitter. Criteria: ICSL Variant Classification Criteria 13 December 2019. Collection method: clinical testing. Allele origin: germline.